The following is an entry in ClinVar:

ClinVar aggregate classification (germline): Likely pathogenic (1 of 4 stars; one submission).

Submission:

Labcorp Genetics (formerly Invitae), Labcorp
Classification: Likely pathogenic. Last evaluated: 2025-07-29. Review status: criteria provided, single submitter. Criteria: Invitae Variant Classification Sherloc (09022015). Collection method: clinical testing. Allele origin: germline.
Comment: This sequence change replaces glutamine, which is neutral and polar, with glutamic acid, which is acidic and polar, at codon 76 of the ALPL protein (p.Gln76Glu). This variant is not present in population databases (gnomAD no frequency). This missense change has been observed in individual(s) with hypophosphatasia (internal data). Invitae Evidence Modeling of protein sequence and biophysical properties (such as structural, functional, and spatial information, amino acid conservation, physicochemical variation, residue mobility, and thermodynamic stability) indicates that this missense variant is expected to disrupt ALPL protein function with a positive predictive value of 95%. This variant disrupts the p.Gln76 amino acid residue in ALPL. Other variant(s) that disrupt this residue have been determined to be pathogenic (PMID: 32160374). This suggests that this residue is clinically significant, and that variants that disrupt this residue are likely to be disease-causing. In summary, the currently available evidence indicates that the variant is pathogenic, but additional data are needed to prove that conclusively. Therefore, this variant has been classified as Likely Pathogenic.

Literature cited by the submitters: PubMed 32160374.

NM_000478.6(ALPL):c.226C>G (p.Gln76Glu)

Gene: ALPL (alkaline phosphatase, biomineralization associated; plus strand). Cytogenetic location: 1p36.12.
Variant type: single nucleotide variant.
Coding change: c.226C>G on transcript NM_000478.6 (MANE Select); coding-DNA position 226, C replaced by G.
Protein change: p.Gln76Glu; replaces glutamine 76 with glutamic acid.
Molecular consequence: missense variant. On other transcripts: intron variant (1).
Genome position (GRCh38, 1-based): chr1:21,561,141, C>G. VCF-style: chr1-21561141-C-G. GRCh37 (hg19) VCF-style: chr1-21887634-C-G.
Other names: c.61C>G, p.Gln21Glu (NM_001127501.4); c.226C>G, p.Gln76Glu (NM_001369803.2, NM_001369804.2, NM_001369805.2); c.66+396C>G (NM_001177520.3); short protein forms Q21E, Q76E.
Identifiers: ClinVar variation 4799861 (VCV004799861.1).